The following is an entry in ClinVar:

ClinVar aggregate classification (germline): Uncertain significance (1 of 4 stars; one submission).

Conditions:
Hereditary cancer-predisposing syndrome. Also called: Hereditary neoplastic syndrome; Neoplastic Syndromes, Hereditary; Tumor predisposition; Hereditary Cancer Syndrome. Identifiers: Orphanet 140162, MedGen C0027672, MeSH D009386, MONDO:0015356.

Submission:

Ambry Genetics
Classification: Uncertain significance for Hereditary cancer-predisposing syndrome. Last evaluated: 2025-08-21. Review status: criteria provided, single submitter. Criteria: Ambry Variant Classification Scheme 2023. Collection method: clinical testing. Allele origin: germline.
Comment: The c.1842_1844delTGG variant (also known as p.N614_G615delinsK), located in coding exon 15 of the POT1 gene, results from an in-frame deletion of TGG at nucleotide positions 1842 to 1844. This results in the substitution of N and G residues for a K residue at codon 614. This amino acid region is not well conserved in available vertebrate species. In addition, the in silico prediction for this variant is inconclusive (Choi Y et al. PLoS ONE. 2012; 7(10):e46688). Based on the available evidence, the clinical significance of this variant remains unclear.

NM_015450.3(POT1):c.1842_1844del (p.Asn614_Gly615delinsLys)

Gene: POT1 (protection of telomeres 1; minus strand). Cytogenetic location: 7q31.33.
Variant type: Deletion.
Coding change: c.1842_1844del on transcript NM_015450.3 (MANE Select); coding-DNA positions 1842 to 1844, 3 bases deleted (TGG; older notation c.1842_1844delTGG).
Protein change: p.Asn614_Gly615delinsLys.
Molecular consequence: inframe indel. On other transcripts: non-coding transcript variant (3).
Genome position (GRCh38, 1-based): chr7:124,824,023-124,824,025, CCA deleted on the plus strand (TGG on the coding strand, the reverse complement: POT1 is on the minus strand). VCF-style (leftmost placement, unchanged base first): chr7-124824022-TCCA-T. GRCh37 (hg19) VCF-style: chr7-124464076-TCCA-T.
Other names: c.1449_1451del, p.Asn483_Gly484delinsLys (NM_001042594.2).
Identifiers: ClinVar variation 4141945 (VCV004141945.1).